The following is an entry in ClinVar:

Conditions:
Breast-ovarian cancer, familial, susceptibility to, 1 (BROVCA1). Also called: BRCA1 Hereditary Breast and Ovarian Cancer; OVARIAN CANCER, SUSCEPTIBILITY TO. Identifiers: Orphanet 145, MedGen C2676676, MONDO:0011450, OMIM 604370. Disease mechanism: loss of function.

Submission:

Brotman Baty Institute, University of Washington
No classification provided (evidence only). Condition: Breast-ovarian cancer, familial 1. Review status: no classification provided. Collection method: in vitro. Allele origin: not applicable. Functional consequence: functionally_normal.
ClinVar note: "not provided" was previously submitted as the classification for the variant. However, the classification appeared to be based only on an observation of functional data so it was converted to no classification on 2025-07-30.

NM_007294.4(BRCA1):c.5410G>T (p.Val1804Phe)

Gene: BRCA1 (BRCA1 DNA repair associated; minus strand). Cytogenetic location: 17q21.31.
Variant type: single nucleotide variant.
Coding change: c.5410G>T on transcript NM_007294.4 (MANE Select); coding-DNA position 5410, G replaced by T.
Protein change: p.Val1804Phe; replaces valine 1804 with phenylalanine.
Molecular consequence: missense variant. On other transcripts: non-coding transcript variant (1).
Genome position (GRCh38, 1-based): chr17:43,047,700, C>A on the plus strand (G>T on the coding strand, the complement: BRCA1 is on the minus strand). VCF-style: chr17-43047700-C-A. GRCh37 (hg19) VCF-style: chr17-41199717-C-A.
Other names: c.5074G>T, p.Val1692Phe (NM_001407953.1, NM_001407954.1, NM_001407955.1 and 3 more transcripts); c.5071G>T, p.Val1691Phe (NM_001407956.1, NM_001407957.1, NM_001407958.1); c.2803G>T, p.Val935Phe (NM_001407969.1); c.2167G>T, p.Val723Phe (NM_001407970.1, NM_001407971.1); c.2164G>T, p.Val722Phe (NM_001407972.1); c.2101G>T, p.Val701Phe (NM_001407973.1, NM_001407974.1, NM_001407975.1 and 3 more transcripts); c.2098G>T, p.Val700Phe (NM_001407991.1, NM_001407992.1, NM_001407993.1 and 11 more transcripts); c.2095G>T, p.Val699Phe (NM_001408392.1, NM_001408396.1, NM_001408397.1 and 7 more transcripts); and 83 more; short protein forms V1825F, V700F, V1757F, V1804F, C675F, C1731F, C1737F, C1738F.
Identifiers: ClinVar variation 865469 (VCV000865469.3), dbSNP rs2050994882, ClinGen allele CA10590644.